The following is an entry in ClinVar:

ClinVar aggregate classification (germline): Uncertain significance. Review status: criteria provided, multiple submitters, no conflicts (2 of 4 stars). 2 submissions from 2 submitters: Uncertain significance (2). Last evaluated 2024-12-07.

Conditions:
Inborn genetic diseases. Identifiers: MedGen C0950123, MeSH D030342.

Submissions (2):

Ambry Genetics
Classification: Uncertain significance for Inborn genetic diseases. Last evaluated: 2024-12-07. Review status: criteria provided, single submitter. Criteria: Ambry Variant Classification Scheme 2023. Collection method: clinical testing. Allele origin: germline.

CeGaT Center for Human Genetics Tuebingen
Classification: Uncertain significance. Last evaluated: 2024-07-01. Review status: criteria provided, single submitter. Criteria: CeGaT Center For Human Genetics Tuebingen Variant Classification Criteria Version 2. Collection method: clinical testing. Allele origin: germline. Affected: yes. Observed: 1 variant allele.
Comment: ALS2: PM2, BP4

NM_020919.4(ALS2):c.812A>G (p.His271Arg)

Gene: ALS2 (alsin Rho guanine nucleotide exchange factor ALS2; minus strand). Cytogenetic location: 2q33.1.
Variant type: single nucleotide variant.
Coding change: c.812A>G on transcript NM_020919.4 (MANE Select); coding-DNA position 812, A replaced by G.
Protein change: p.His271Arg; replaces histidine 271 with arginine.
Molecular consequence: missense variant.
Genome position (GRCh38, 1-based): chr2:201,761,182, T>C on the plus strand (A>G on the coding strand, the complement: ALS2 is on the minus strand). VCF-style: chr2-201761182-T-C. GRCh37 (hg19) VCF-style: chr2-202625905-T-C.
Other names: c.812A>G (NM_020919.3); c.812A>G, p.His271Arg (NM_001135745.2, NM_001410975.1); short protein forms H271R.
Identifiers: ClinVar variation 3257077 (VCV003257077.18).